The following is an entry in ClinVar:

NM_001111067.4(ACVR1):c.1395+5G>A

Gene: ACVR1 (activin A receptor type 1; minus strand). Cytogenetic location: 2q24.1.
Variant type: single nucleotide variant.
Coding change: c.1395+5G>A on transcript NM_001111067.4 (MANE Select); 5 bases into the intron after coding-DNA position 1395, G replaced by A.
Molecular consequence: intron variant.
Genome position (GRCh38, 1-based): chr2:157,738,435, C>T on the plus strand (G>A on the coding strand, the complement: ACVR1 is on the minus strand). VCF-style: chr2-157738435-C-T. GRCh37 (hg19) VCF-style: chr2-158594947-C-T.
Other names: c.1395+5G>A (NM_001347665.1, NM_001347664.1, NM_001347666.1 and 3 more transcripts).
Identifiers: ClinVar variation 748980 (VCV000748980.14), dbSNP rs762094464, ClinGen allele CA1918962.
Genomic context (GRCh38, chr2:157,738,435, plus strand): 5'-CTCAAAGGGAAACAAATAGCAAACAATGGAAAAGAGCTCTAAAACTGAGAAACTGGCATT[C>T]TTACCGGGTCTGAGAACCATCTGTTGGGTATGTTTGGCCTTTGTTGATCCACACAGACTA-3'

ClinVar aggregate classification (germline): Likely benign. Review status: criteria provided, multiple submitters, no conflicts (2 of 4 stars). 4 submissions from 4 submitters: Likely benign (4). Last evaluated 2026-06-19.

Conditions:
Progressive myositis ossificans (FOP). Also called: Fibrodysplasia Ossificans Progressiva; Myositis ossificans progressiva; Progressive ossifying myositis. Identifiers: Orphanet 337, MedGen C0016037, MONDO:0007606, OMIM 135100.
ACVR1-related disorder. Also called: ACVR1-related condition.

Allele frequency attached by ClinVar (database versions not stated): gnomAD 0.00003 and 0.00004; gnomAD exomes 0.00005; TOPMed 0.00005; ExAC 0.00007.
gnomAD v4.1: 72 of 1,613,954 alleles (0.0045%); highest among the groups gnomAD compares: Middle Eastern, 0.082%; 1 homozygote.

Submissions (4):

PreventionGenetics, part of Exact Sciences
Classification: Likely benign for ACVR1-related condition. Last evaluated: 2026-06-19. Review status: criteria provided, single submitter. Criteria: ACMG Guidelines, 2015. Collection method: clinical testing. Allele origin: germline.
Comment: This variant is classified as likely benign based on ACMG/AMP sequence variant interpretation guidelines (Richards et al. 2015 PMID: 25741868, with internal and published modifications).

Labcorp Genetics (formerly Invitae), Labcorp
Classification: Likely benign. Last evaluated: 2025-12-24. Review status: criteria provided, single submitter. Criteria: Invitae Variant Classification Sherloc (09022015). Collection method: clinical testing. Allele origin: germline.

Blueprint Genetics
Classification: Likely benign. Last evaluated: 2024-07-19. Review status: criteria provided, single submitter. Criteria: ACMG Guidelines, 2015. Collection method: clinical testing. Allele origin: germline.

Illumina Laboratory Services, Illumina
Classification: Likely benign for Progressive myositis ossificans. Last evaluated: 2018-01-12. Review status: criteria provided, single submitter. Criteria: ICSL Variant Classification Criteria 13 December 2019. Collection method: clinical testing. Allele origin: germline.
Comment: This variant was observed in the ICSL laboratory as part of a predisposition screen in an ostensibly healthy population. It had not been previously curated by ICSL or reported in the Human Gene Mutation Database (HGMD: prior to June 1st, 2018), and was therefore a candidate for classification through an automated scoring system. Utilizing variant allele frequency, disease prevalence and penetrance estimates, and inheritance mode, an automated score was calculated to assess if this variant is too frequent to cause the disease. Based on the score and internal cut-off values, a variant classified as likely benign is not then subjected to further curation. The score for this variant resulted in a classification of likely benign for this disease.